The following is an entry in ClinVar:

ClinVar aggregate classification (germline): Uncertain significance (1 of 4 stars; one submission).

Conditions:
Chuvash polycythemia. Also called: POLYCYTHEMIA, VHL-DEPENDENT. Identifiers: Orphanet 238557, MedGen C1837915, MONDO:0009892, OMIM 263400.
Von Hippel-Lindau syndrome (VHLS). Also called: Von Hippel-Lindau; von Hippel–Lindau syndrome; VHL syndrome. Identifiers: Orphanet 892, MedGen C0019562, MONDO:0008667, OMIM 193300. Disease mechanism: loss of function.

Allele frequency attached by ClinVar (database versions not stated): gnomAD 0.00001.

Submission:

Labcorp Genetics (formerly Invitae), Labcorp
Classification: Uncertain significance for Von Hippel-Lindau syndrome; Chuvash polycythemia. Last evaluated: 2025-06-19. Review status: criteria provided, single submitter. Criteria: Invitae Variant Classification Sherloc (09022015). Collection method: clinical testing. Allele origin: germline.
Comment: This sequence change falls in intron 1 of the VHL gene. It is not expected to change the encoded amino acid sequence of the VHL protein. However, this sequence change falls within a cryptic exon in the VHL gene, known as exon E1’, which is naturally expressed at low levels in several human tissues (PMID: 29891534). This variant is not present in population databases (gnomAD no frequency). This variant has not been reported in the literature in individuals affected with VHL-related conditions. ClinVar contains an entry for this variant (Variation ID: 1053008). Algorithms developed to predict the effect of sequence changes on RNA splicing suggest that this variant is not likely to affect RNA splicing. In summary, the available evidence is currently insufficient to determine the role of this variant in disease. Therefore, it has been classified as a Variant of Uncertain Significance.

Literature cited by the submitters: PubMed 29891534.

NM_000551.4(VHL):c.340+706T>A

Genes: VHL (von Hippel-Lindau tumor suppressor; plus strand), LOC107303340 (3p25 von Hippel-Lindau tumor suppressor, E3 ubiquitin protein ligase Alu-mediated recombination region; plus strand). Cytogenetic location: 3p25.3.
Variant type: single nucleotide variant.
Coding change: c.340+706T>A on transcript NM_000551.4 (MANE Select); 706 bases into the intron after coding-DNA position 340, T replaced by A.
Molecular consequence: intron variant. On other transcripts: synonymous variant (1).
Genome position (GRCh38, 1-based): chr3:10,142,893, T>A. VCF-style: chr3-10142893-T-A. GRCh37 (hg19) VCF-style: chr3-10184577-T-A.
Other names: c.471T>A, p.Arg157= (NM_001354723.2); c.340+706T>A (NM_198156.3).
Identifiers: ClinVar variation 1053008 (VCV001053008.9), dbSNP rs1696161617, ClinGen allele CA1044995518.